The following is an entry in ClinVar:

NM_002968.3(SALL1):c.662G>A (p.Gly221Glu)

Gene: SALL1 (spalt like transcription factor 1; minus strand). Cytogenetic location: 16q12.1.
Variant type: single nucleotide variant.
Coding change: c.662G>A on transcript NM_002968.3 (MANE Select); coding-DNA position 662, G replaced by A.
Protein change: p.Gly221Glu; replaces glycine 221 with glutamic acid.
Molecular consequence: missense variant.
Genome position (GRCh38, 1-based): chr16:51,141,560, C>T on the plus strand (G>A on the coding strand, the complement: SALL1 is on the minus strand). VCF-style: chr16-51141560-C-T. GRCh37 (hg19) VCF-style: chr16-51175471-C-T.
Other names: c.371G>A, p.Gly124Glu (NM_001127892.2); short protein forms G124E, G221E.
Identifiers: ClinVar variation 2059024 (VCV002059024.20), dbSNP rs750444836, ClinGen allele CA8053413.

ClinVar aggregate classification (germline): Conflicting classifications of pathogenicity. Review status: criteria provided, conflicting classifications (1 of 4 stars). 5 submissions from 5 submitters: Uncertain significance (1); Likely benign (4). Last evaluated 2025-06-04.

Conditions:
Townes syndrome (TBS). Also called: Townes-Brocks syndrome. Identifiers: Orphanet 857, MedGen C0265246, MeSH C536974, MONDO:0007142.
Inborn genetic diseases. Identifiers: MedGen C0950123, MeSH D030342.

Allele frequency attached by ClinVar (database versions not stated): gnomAD exomes 0.00002; gnomAD 0.00003; TOPMed 0.00003; ExAC 0.00009.
gnomAD v4.1: 32 of 1,614,032 alleles (0.002%); highest among the groups gnomAD compares: East Asian, 0.04%; no homozygotes.

Submissions (5):

Labcorp Genetics (formerly Invitae), Labcorp
Classification: Likely benign for Townes syndrome. Last evaluated: 2025-06-04. Review status: criteria provided, single submitter. Criteria: Invitae Variant Classification Sherloc (09022015). Collection method: clinical testing. Allele origin: germline.

Ambry Genetics
Classification: Uncertain significance for Inborn genetic diseases. Last evaluated: 2025-04-30. Review status: criteria provided, single submitter. Criteria: Ambry Variant Classification Scheme 2023. Collection method: clinical testing. Allele origin: germline.

Laboratory of Genetics, Children's Clinical University Hospital Latvia
Classification: Likely benign. Last evaluated: 2025-02-16. Review status: criteria provided, single submitter. Criteria: ACMG Guidelines, 2015. Collection method: clinical testing. Allele origin: germline. Affected: yes.

CeGaT Center for Human Genetics Tuebingen
Classification: Likely benign. Last evaluated: 2024-09-01. Review status: criteria provided, single submitter. Criteria: CeGaT Center For Human Genetics Tuebingen Variant Classification Criteria Version 2. Collection method: clinical testing. Allele origin: germline. Affected: yes. Observed: 1 variant allele.
Comment: SALL1: BP4

Blueprint Genetics
Classification: Likely benign. Last evaluated: 2023-10-05. Review status: criteria provided, single submitter. Criteria: ACMG Guidelines, 2015. Collection method: clinical testing. Allele origin: germline.